The following is an entry in ClinVar:

ClinVar aggregate classification (germline): Pathogenic (1 of 4 stars; one submission).

Conditions:
Treacher Collins syndrome 1 (TCS1). Also called: TCOF1-Related Treacher Collins Syndrome. Identifiers: Orphanet 861, MedGen CN315775, MONDO:0007944, OMIM 154500.

Submission:

Juno Genomics, Hangzhou Juno Genomics, Inc
Classification: Pathogenic for Treacher Collins syndrome 1. Review status: criteria provided, single submitter. Criteria: ACMG Guidelines, 2015. Collection method: clinical testing. Allele origin: germline. Affected: yes.
Comment: Absent from controls (or at extremely low frequency if recessive) in Genome Aggregation Database, Exome Sequencing Project, 1000 Genomes Project, or Exome Aggregation Consortium.;Null variant in a gene where loss of function (LOF) is a known mechanism of disease.;Patient's phenotype or family history is highly specific for a disease with a single genetic etiology.

NM_001371623.1(TCOF1):c.1765_1766dup (p.Gln590fs)

Gene: TCOF1 (treacle ribosome biogenesis factor 1; plus strand). Cytogenetic location: 5q32.
Variant type: Duplication.
Coding change: c.1765_1766dup on transcript NM_001371623.1 (MANE Select); coding-DNA positions 1765 to 1766, 2 bases duplicated (CC; older notation c.1765_1766dupCC).
Protein change: p.Gln590fs; shifts the reading frame from glutamine 590.
Molecular consequence: frameshift variant.
Genome position (GRCh38, 1-based): chr5:150,375,781-150,375,782, CC duplicated; duplicating any 2 consecutive bases within chr5:150,375,778-150,375,782 gives the same sequence; the c. name uses the placement nearest the transcript's 3' end. VCF-style (leftmost placement, unchanged base first): chr5-150375777-G-GCC. GRCh37 (hg19) VCF-style: chr5-149755340-G-GCC.
Other names: c.1534_1535dup, p.Gln513fs (NM_000356.4, NM_001135245.2); c.1765_1766dup, p.Gln590fs (NM_001008657.3, NM_001135243.2, NM_001135244.2 and 1 more transcripts); short protein forms Q513fs, Q590fs.
Identifiers: ClinVar variation 3392478 (VCV003392478.2).